The following is an entry in ClinVar:

ClinVar aggregate classification (germline): Pathogenic (1 of 4 stars; one submission).

Conditions:
Neuronal ceroid lipofuscinosis. Also called: Neuronal Ceroid Lipofuscinoses. Identifiers: Orphanet 216, Orphanet 79263, MedGen C0027877, MONDO:0016295. Disease mechanism: loss of function.

Submission:

Labcorp Genetics (formerly Invitae), Labcorp
Classification: Pathogenic for Neuronal ceroid lipofuscinosis. Last evaluated: 2023-08-04. Review status: criteria provided, single submitter. Criteria: Invitae Variant Classification Sherloc (09022015). Collection method: clinical testing. Allele origin: germline.
Comment: For these reasons, this variant has been classified as Pathogenic. This variant disrupts a region of the CLN8 protein in which other variant(s) (p.Arg24Gly) have been determined to be pathogenic (PMID: 10508524, 10861296, 15160397, 16828266). This suggests that this is a clinically significant region of the protein, and that variants that disrupt it are likely to be disease-causing. Disruption of the initiator codon has been observed in individual(s) with clinical features of neuronal ceroid lipofuscinosis type 8 (PMID: 30741402, 31069529). This variant is not present in population databases (gnomAD no frequency). This sequence change affects the initiator methionine of the CLN8 mRNA. The next in-frame methionine is located at codon 28.

Literature cited by the submitters: PubMed 10508524; PubMed 10861296; PubMed 15160397; PubMed 16828266; PubMed 30741402; PubMed 31069529.

NM_018941.4(CLN8):c.1A>T (p.Met1Leu)

Gene: CLN8 (CLN8 transmembrane ER and ERGIC protein; plus strand). Cytogenetic location: 8p23.3.
Variant type: single nucleotide variant.
Coding change: c.1A>T on transcript NM_018941.4 (MANE Select); coding-DNA position 1, A replaced by T.
Protein change: p.Met1Leu; changes the start codon (methionine 1).
Molecular consequence: missense variant, initiator codon variant.
Genome position (GRCh38, 1-based): chr8:1,771,055, A>T. VCF-style: chr8-1771055-A-T. GRCh37 (hg19) VCF-style: chr8-1719221-A-T.
Other names: short protein forms M1L.
Identifiers: ClinVar variation 2749928 (VCV002749928.3), dbSNP rs143730802, ClinGen allele CA369952679.
Genomic context (GRCh38, chr8:1,771,055, plus strand): 5'-CACAGTGTAGGGCCCGGCCCGTGTTGGCCCCAGGACTCCTTTGGAATATAGCTGTGGACA[A>T]TGAATCCTGCGAGCGATGGGGGCACATCAGAGAGCATTTTTGACCTGGACTATGCATCCT-3'
Protein context (NP_061764.2, residues 1-11): [Met1Leu]NPASDGGTSE